The following is an entry in ClinVar:

NM_000350.3(ABCA4):c.419G>A (p.Arg140Gln)

Gene: ABCA4 (ATP binding cassette subfamily A member 4; minus strand). Cytogenetic location: 1p22.1.
Variant type: single nucleotide variant.
Coding change: c.419G>A on transcript NM_000350.3 (MANE Select); coding-DNA position 419, G replaced by A.
Protein change: p.Arg140Gln; replaces arginine 140 with glutamine.
Molecular consequence: missense variant.
Genome position (GRCh38, 1-based): chr1:94,108,600, C>T on the plus strand (G>A on the coding strand, the complement: ABCA4 is on the minus strand). VCF-style: chr1-94108600-C-T. GRCh37 (hg19) VCF-style: chr1-94574156-C-T.
Other names: c.419G>A, p.Arg140Gln (NM_001425324.1); short protein forms R140Q.
Identifiers: ClinVar variation 1059335 (VCV001059335.8), dbSNP rs369105023, ClinGen allele CA958848.
Genomic context (GRCh38, chr1:94,108,600, plus strand): 5'-GGGAAATGATGCTTGAGAGCACTGCAGTCATGCTTACCTGCAATTCTCTCCGGGTGAGTC[C>T]GGAGGGTGTCCATGAATTGGGACAAGATGTGTAGCTCTGTCCAAATACGGCCAAGGTGCT-3'
Protein context (NP_000341.2, residues 130-150): HILSQFMDTL[Arg140Gln]THPERIAGRG

ClinVar aggregate classification (germline): Uncertain significance. Review status: criteria provided, multiple submitters, no conflicts (2 of 4 stars). 2 submissions from 2 submitters: Uncertain significance (2). Last evaluated 2022-03-29.

Allele frequency attached by ClinVar (database versions not stated): gnomAD 0.00001; TOPMed 0.00001; ExAC 0.00002; ESP Exome Variant Server 0.00008.

Submissions (2):

Labcorp Genetics (formerly Invitae), Labcorp
Classification: Uncertain significance. Last evaluated: 2022-03-29. Review status: criteria provided, single submitter. Criteria: Invitae Variant Classification Sherloc (09022015). Collection method: clinical testing. Allele origin: germline.
Comment: This sequence change replaces arginine, which is basic and polar, with glutamine, which is neutral and polar, at codon 140 of the ABCA4 protein (p.Arg140Gln). This variant is present in population databases (rs369105023, gnomAD 0.007%). This variant has not been reported in the literature in individuals affected with ABCA4-related conditions. ClinVar contains an entry for this variant (Variation ID: 1059335). Algorithms developed to predict the effect of missense changes on protein structure and function output the following: SIFT: "Deleterious"; PolyPhen-2: "Benign"; Align-GVGD: "Class C35". The glutamine amino acid residue is found in multiple mammalian species, which suggests that this missense change does not adversely affect protein function. Algorithms developed to predict the effect of sequence changes on RNA splicing suggest that this variant may create or strengthen a splice site. In summary, the available evidence is currently insufficient to determine the role of this variant in disease. Therefore, it has been classified as a Variant of Uncertain Significance.

Blueprint Genetics
Classification: Uncertain significance. Last evaluated: 2021-10-29. Review status: criteria provided, single submitter. Criteria: ACMG Guidelines, 2015. Collection method: clinical testing. Allele origin: germline.